The following is an entry in ClinVar:

NM_016239.4(MYO15A):c.6170A>C (p.His2057Pro)

Gene: MYO15A (myosin XVA; plus strand). Cytogenetic location: 17p11.2.
Variant type: single nucleotide variant.
Coding change: c.6170A>C on transcript NM_016239.4 (MANE Select); coding-DNA position 6170, A replaced by C.
Protein change: p.His2057Pro; replaces histidine 2057 with proline.
Molecular consequence: missense variant.
Genome position (GRCh38, 1-based): chr17:18,143,993, A>C. VCF-style: chr17-18143993-A-C. GRCh37 (hg19) VCF-style: chr17-18047307-A-C.
Other names: short protein forms H2057P.
Identifiers: ClinVar variation 228962 (VCV000228962.8), dbSNP rs876657902, ClinGen allele CA10577022.

ClinVar aggregate classification (germline): Uncertain significance. Review status: criteria provided, multiple submitters, no conflicts (2 of 4 stars). 4 submissions from 4 submitters: Uncertain significance (4). Last evaluated 2025-08-24.

Conditions:
Inborn genetic diseases. Identifiers: MedGen C0950123, MeSH D030342.

Allele frequency attached by ClinVar (database versions not stated): gnomAD exomes below 0.00001 and 0.00001; TOPMed below 0.00001; gnomAD 0.00001.
gnomAD v4.1: 12 of 1,613,386 alleles (0.00074%); highest among the groups gnomAD compares: Non-Finnish European, 0.001%; no homozygotes.

Submissions (4):

Ambry Genetics
Classification: Uncertain significance for Inborn genetic diseases. Last evaluated: 2025-08-24. Review status: criteria provided, single submitter. Criteria: Ambry Variant Classification Scheme 2023. Collection method: clinical testing. Allele origin: germline.

Labcorp Genetics (formerly Invitae), Labcorp
Classification: Uncertain significance. Last evaluated: 2025-02-04. Review status: criteria provided, single submitter. Criteria: Invitae Variant Classification Sherloc (09022015). Collection method: clinical testing. Allele origin: germline.
Comment: This sequence change replaces histidine, which is basic and polar, with proline, which is neutral and non-polar, at codon 2057 of the MYO15A protein (p.His2057Pro). This variant is present in population databases (no rsID available, gnomAD 0.0009%). This variant has not been reported in the literature in individuals affected with MYO15A-related conditions. ClinVar contains an entry for this variant (Variation ID: 228962). Invitae Evidence Modeling of protein sequence and biophysical properties (such as structural, functional, and spatial information, amino acid conservation, physicochemical variation, residue mobility, and thermodynamic stability) has been performed for this missense variant. However, the output from this modeling did not meet the statistical confidence thresholds required to predict the impact of this variant on MYO15A protein function. In summary, the available evidence is currently insufficient to determine the role of this variant in disease. Therefore, it has been classified as a Variant of Uncertain Significance.

GeneDx
Classification: Uncertain significance. Last evaluated: 2020-11-05. Review status: criteria provided, single submitter. Criteria: GeneDx Variant Classification Process June 2021. Collection method: clinical testing. Allele origin: germline. Affected: yes.
Comment: Not observed at a significant frequency in large population cohorts (Lek et al., 2016); In silico analysis supports that this missense variant has a deleterious effect on protein structure/function; Has not been previously published as pathogenic or benign to our knowledge

Laboratory for Molecular Medicine, Mass General Brigham Personalized Medicine
Classification: Uncertain significance. Last evaluated: 2016-05-05. Review status: criteria provided, single submitter. Criteria: LMM Criteria. Collection method: clinical testing. Allele origin: germline. Observed: 2 variant alleles.
Comment: Variant classified as Uncertain Significance - Favor Pathogenic. The variant has not been identified in large popula tion studies. Computational prediction tools and conservation analyses do not pr ovide strong support for or against an impact to the protein. In summary, while there is some suspicion for a pathogenic role, the clinical significance of this variant is uncertain.